The following is an entry in ClinVar:

NM_001036.6(RYR3):c.12794T>C (p.Val4265Ala)

Gene: RYR3 (ryanodine receptor 3; plus strand). Cytogenetic location: 15q14.
Variant type: single nucleotide variant.
Coding change: c.12794T>C on transcript NM_001036.6 (MANE Select); coding-DNA position 12794, T replaced by C.
Protein change: p.Val4265Ala; replaces valine 4265 with alanine.
Molecular consequence: missense variant.
Genome position (GRCh38, 1-based): chr15:33,838,774, T>C. VCF-style: chr15-33838774-T-C. GRCh37 (hg19) VCF-style: chr15-34130975-T-C.
Other names: c.12779T>C, p.Val4260Ala (NM_001243996.4); short protein forms V4260A, V4265A.
Identifiers: ClinVar variation 1521599 (VCV001521599.9), dbSNP rs750160431, ClinGen allele CA268593332.

ClinVar aggregate classification (germline): Uncertain significance. Review status: criteria provided, multiple submitters, no conflicts (2 of 4 stars). 2 submissions from 2 submitters: Uncertain significance (2). Last evaluated 2022-07-12.

Conditions:
Epileptic encephalopathy. Identifiers: MedGen C0543888, HP:0200134.

Allele frequency attached by ClinVar (database versions not stated): gnomAD exomes below 0.00001.
gnomAD v4.1: 1 of 1,613,834 alleles (0.000062%); highest among the groups gnomAD compares: Admixed American, 0.0017%; no homozygotes.

Submissions (2):

Labcorp Genetics (formerly Invitae), Labcorp
Classification: Uncertain significance for Epileptic encephalopathy. Last evaluated: 2022-07-12. Review status: criteria provided, single submitter. Criteria: Invitae Variant Classification Sherloc (09022015). Collection method: clinical testing. Allele origin: germline.
Comment: This variant has not been reported in the literature in individuals affected with RYR3-related conditions. This sequence change replaces valine, which is neutral and non-polar, with alanine, which is neutral and non-polar, at codon 4265 of the RYR3 protein (p.Val4265Ala). This variant is present in population databases (rs750160431, gnomAD 0.003%). ClinVar contains an entry for this variant (Variation ID: 1521599). Algorithms developed to predict the effect of missense changes on protein structure and function output the following: SIFT: "Deleterious"; PolyPhen-2: "Benign"; Align-GVGD: "Class C0". The alanine amino acid residue is found in multiple mammalian species, which suggests that this missense change does not adversely affect protein function. In summary, the available evidence is currently insufficient to determine the role of this variant in disease. Therefore, it has been classified as a Variant of Uncertain Significance.

Breakthrough Genomics
Classification: Uncertain significance. Review status: criteria provided, single submitter. Criteria: ACMG Guidelines, 2015. Collection method: not provided. Allele origin: germline. Inheritance: Unknown mechanism. Affected: yes.